The following is an entry in ClinVar:

ClinVar aggregate classification (germline): Uncertain significance. Review status: criteria provided, multiple submitters, no conflicts (2 of 4 stars). 3 submissions from 3 submitters: Uncertain significance (3). Last evaluated 2024-03-06.

Conditions:
Aortic aneurysm, familial thoracic 4 (AAT4). Also called: AORTIC ANEURYSM/AORTIC DISSECTION AND PATENT DUCTUS ARTERIOSUS. Identifiers: MedGen C1851504, MONDO:0007568, OMIM 132900.
Familial thoracic aortic aneurysm and aortic dissection (TAAD). Also called: Thoracic aortic aneurysms and dissections. Identifiers: Orphanet 91387, MedGen C4707243, MONDO:0019625.

Submissions (3):

Color Diagnostics, LLC DBA Color Health
Classification: Uncertain significance for Familial thoracic aortic aneurysm and aortic dissection. Last evaluated: 2024-03-06. Review status: criteria provided, single submitter. Criteria: ACMG Guidelines, 2015. Collection method: clinical testing. Allele origin: germline.
Comment: This missense variant replaces histidine with glutamine at codon 1197 of the MYH11 protein. Computational prediction is inconclusive regarding the impact of this variant on protein structure and function (internally defined REVEL score threshold 0.5 < inconclusive < 0.7, PMID: 27666373). To our knowledge, functional studies have not been reported for this variant. This variant has not been reported in individuals affected with MYH11-related disorders in the literature. This variant has not been identified in the general population by the Genome Aggregation Database (gnomAD). The available evidence is insufficient to determine the role of this variant in disease conclusively. Therefore, this variant is classified as a Variant of Uncertain Significance.

Ambry Genetics
Classification: Uncertain significance for Familial thoracic aortic aneurysm and aortic dissection. Last evaluated: 2022-11-10. Review status: criteria provided, single submitter. Criteria: Ambry Variant Classification Scheme 2023. Collection method: clinical testing. Allele origin: germline.
Comment: The p.H1190Q variant (also known as c.3570T>A), located in coding exon 26 of the MYH11 gene, results from a T to A substitution at nucleotide position 3570. The histidine at codon 1190 is replaced by glutamine, an amino acid with highly similar properties. This amino acid position is conserved. In addition, the in silico prediction for this alteration is inconclusive. Since supporting evidence is limited at this time, the clinical significance of this alteration remains unclear.

Labcorp Genetics (formerly Invitae), Labcorp
Classification: Uncertain significance for Aortic aneurysm, familial thoracic 4. Last evaluated: 2021-04-24. Review status: criteria provided, single submitter. Criteria: Invitae Variant Classification Sherloc (09022015). Collection method: clinical testing. Allele origin: germline.
Comment: This sequence change replaces histidine with glutamine at codon 1197 of the MYH11 protein (p.His1197Gln). The histidine residue is highly conserved and there is a small physicochemical difference between histidine and glutamine. This variant is not present in population databases (ExAC no frequency). In summary, the available evidence is currently insufficient to determine the role of this variant in disease. Therefore, it has been classified as a Variant of Uncertain Significance. Algorithms developed to predict the effect of missense changes on protein structure and function are either unavailable or do not agree on the potential impact of this missense change (SIFT: "Deleterious"; PolyPhen-2: "Probably Damaging"; Align-GVGD: "Class C15"). This variant has not been reported in the literature in individuals with MYH11-related conditions. ClinVar contains an entry for this variant (Variation ID: 925196).

NM_002474.3(MYH11):c.3570T>A (p.His1190Gln)

Gene: MYH11 (myosin heavy chain 11; minus strand). Cytogenetic location: 16p13.11.
Variant type: single nucleotide variant.
Coding change: c.3570T>A on transcript NM_002474.3 (MANE Select); coding-DNA position 3570, T replaced by A.
Protein change: p.His1190Gln; replaces histidine 1190 with glutamine.
Molecular consequence: missense variant.
Genome position (GRCh38, 1-based): chr16:15,732,645, A>T on the plus strand (T>A on the coding strand, the complement: MYH11 is on the minus strand). VCF-style: chr16-15732645-A-T. GRCh37 (hg19) VCF-style: chr16-15826502-A-T.
Other names: c.3591T>A, p.His1197Gln (NM_001040113.2, NM_001040114.2); c.3570T>A, p.His1190Gln (NM_022844.3); c.3570T>A (NM_002474.2); short protein forms H1190Q, H1197Q.
Identifiers: ClinVar variation 925196 (VCV000925196.14), dbSNP rs769951224, ClinGen allele CA394861148.
Genomic context (GRCh38, chr16:15,732,645, plus strand): 5'-CTCTGTGAGCTCCTCCACCGCCTGTGCGTGTTTCTGCCTCATCTCCTGGACCTGAGCCTC[A>T]TGGGACCGCGTCTCTTCATCCAGGGCCTTCTTCAGCACCGTCACCTCCTGCTCCCTCTTG-3'
Protein context (NP_002465.1, residues 1180-1200): KKALDEETRS[His1190Gln]EAQVQEMRQK